The following is an entry in ClinVar:

ClinVar aggregate classification (germline): Uncertain significance (1 of 4 stars; one submission).

Conditions:
Hereditary cancer-predisposing syndrome. Also called: Neoplastic Syndromes, Hereditary; Tumor predisposition; Hereditary Cancer Syndrome; Hereditary neoplastic syndrome. Identifiers: Orphanet 140162, MedGen C0027672, MeSH D009386, MONDO:0015356.

Submission:

Ambry Genetics
Classification: Uncertain significance for Hereditary cancer-predisposing syndrome. Last evaluated: 2024-09-18. Review status: criteria provided, single submitter. Criteria: Ambry Variant Classification Scheme 2023. Collection method: clinical testing. Allele origin: germline.
Comment: The p.E488V variant (also known as c.1463A>T), located in coding exon 14 of the POLE gene, results from an A to T substitution at nucleotide position 1463. The glutamic acid at codon 488 is replaced by valine, an amino acid with dissimilar properties. This amino acid position is conserved. In addition, the in silico prediction for this alteration is inconclusive. Based on the available evidence, the clinical significance of this variant remains unclear.

NM_006231.4(POLE):c.1463A>T (p.Glu488Val)

Gene: POLE (DNA polymerase epsilon, catalytic subunit; minus strand). Cytogenetic location: 12q24.33.
Variant type: single nucleotide variant.
Coding change: c.1463A>T on transcript NM_006231.4 (MANE Select); coding-DNA position 1463, A replaced by T.
Protein change: p.Glu488Val; replaces glutamic acid 488 with valine.
Molecular consequence: missense variant.
Genome position (GRCh38, 1-based): chr12:132,673,174, T>A on the plus strand (A>T on the coding strand, the complement: POLE is on the minus strand). VCF-style: chr12-132673174-T-A. GRCh37 (hg19) VCF-style: chr12-133249760-T-A.
Other names: short protein forms E488V.
Identifiers: ClinVar variation 3422073 (VCV003422073.1).